The following is an entry in ClinVar:

NM_005159.5(ACTC1):c.940C>T (p.Arg314Cys)

Genes: ACTC1 (actin alpha cardiac muscle 1; minus strand), GJD2-DT (GJD2 divergent transcript; plus strand). Cytogenetic location: 15q14.
Variant type: single nucleotide variant.
Coding change: c.940C>T on transcript NM_005159.5 (MANE Select); coding-DNA position 940, C replaced by T.
Protein change: p.Arg314Cys; replaces arginine 314 with cysteine.
Molecular consequence: missense variant.
Genome position (GRCh38, 1-based): chr15:34,791,164, G>A on the plus strand (C>T on the coding strand, the complement: ACTC1 is on the minus strand). VCF-style: chr15-34791164-G-A. GRCh37 (hg19) VCF-style: chr15-35083365-G-A.
Other names: c.940C>T, p.Arg314Cys (NM_001406482.1, NM_001406483.1); c.805C>T, p.Arg269Cys (NM_001406484.1); c.499C>T, p.Arg167Cys (NM_001406485.1); short protein forms R167C, R269C, R314C.
Identifiers: ClinVar variation 1766875 (VCV001766875.8), dbSNP rs543030688, ClinGen allele CA043030.
Genomic context (GRCh38, chr15:34,791,164, plus strand): 5'-AGTTCTTTACCTTAATCTTCATGGTGCTAGGAGCCAGAGCAGTGATTTCCTTCTGCATAC[G>A]ATCAGCAATACCAGGGTACATAGTGGTGCCTCCAGATAAGACATTGTTGGCATACAGGTC-3'
Protein context (NP_005150.1, residues 304-324): GTTMYPGIAD[Arg314Cys]MQKEITALAP

ClinVar aggregate classification (germline): Conflicting classifications of pathogenicity. Review status: criteria provided, conflicting classifications (1 of 4 stars). 4 submissions from 4 submitters: Likely pathogenic (2); Uncertain significance (2). Last evaluated 2025-10-06.

Conditions:
Cardiomyopathy (CMYO). Also called: Cardiomyopathies. Identifiers: Orphanet 167848, MedGen C0878544, MONDO:0004994, HP:0001638. Inheritance: Various modes of inheritance.
ACTC1-related disorder. Also called: ACTC1-related condition.
Cardiovascular phenotype. Identifiers: MedGen CN230736.

Allele frequency attached by ClinVar (database versions not stated): ExAC 0.00001; 1000 Genomes Project 0.00020.

Submissions (4):

Victorian Clinical Genetics Services, Murdoch Childrens Research Institute
Classification: Uncertain significance for Cardiomyopathy. Last evaluated: 2025-10-06. Review status: criteria provided, single submitter. Criteria: ACMG Guidelines, 2015. Collection method: clinical testing. Allele origin: germline. Affected: yes.
Comment: This variant is classified as VUS-3A. Evidence in support of pathogenic classification: Variant is present in gnomAD <0.001 for a dominant condition (v4: 1 heterozygote(s), 0 homozygote(s)); Another missense variant comparable to the one identified in this case has limited previous evidence for pathogenicity. The p.(Arg314His) variant has been classified as likely pathogenic and as a VUS by clinical laboratories in ClinVar and reported in the literature in an individual with dilated cardiomyopathy (PMID: 34011823); Missense variant predicted to be damaging by in silico tool(s) or highly conserved with a major amino acid change. Additional information: Variant is predicted to result in a missense amino acid change from arginine to cysteine; This variant is heterozygous; This gene is associated with autosomal dominant disease; Alternative amino acid change(s) at the same position are present in gnomAD (Highest allele count: v4: 16 heterozygote(s), 0 homozygote(s)); Previous evidence of pathogenicity for this variant is inconclusive. This variant has been classified as a VUS and likely pathogenic by clinical laboratories in ClinVar, and reported in the literature in individuals with hypertrophic cardiomyopathy (HCM) (PMIDs: 20031618, 23283745, 25132132, 38002985). In addition, this variant has been reported in individuals without left ventricular hypertrophy, however they were regarded as pre-clinical for HCM (PMIDs: 24704860, 25228707); No published segregation evidence has been identified for this variant; No published functional evidence has been identified for this variant; Variant is located in the annotated actin domain (DECIPHER); The mechanism of disease for this gene is not clearly established. Missense variants have been described with both loss and gain of function properties (PMID: 29719515). However, the exact disease mechanism remains unclear.

Ambry Genetics
Classification: Likely pathogenic for Cardiovascular phenotype. Last evaluated: 2025-06-13. Review status: criteria provided, single submitter. Criteria: Ambry Variant Classification Scheme 2023. Collection method: clinical testing. Allele origin: germline.
Comment: The p.R314C variant (also known as c.940C>T), located in coding exon 5 of the ACTC1 gene, results from a C to T substitution at nucleotide position 940. The arginine at codon 314 is replaced by cysteine, an amino acid with highly dissimilar properties. This variant has been reported in hypertrophic cardiomyopathy (HCM) cohorts (Kaski JP et al. Circ Cardiovasc Genet, 2009 Oct;2:436-41; Zou Y et al. Mol Biol Rep, 2013 Jun;40:3969-76; Wang J et al. Eur J Heart Fail, 2014 Sep;16:950-7). This variant has also been described in individuals without findings of left ventricular hypertrophy (Captur G et al. Circ Cardiovasc Genet, 2014 Jun;7:241-8). This missense alteration is located in a region that has a low rate of benign missense variation (Lek M et al. Nature. 2016 Aug 18;536(7616):285-91; DECIPHER: Database of Chromosomal Imbalance and Phenotype in Humans using Ensembl Resources. Firth H.V. et al. 2009. Am.J.Hum.Genet. 84, 524-533 (DOI)). This amino acid position is highly conserved in available vertebrate species. In addition, this alteration is predicted to be deleterious by in silico analysis. This variant is considered to be rare based on population cohorts in the Genome Aggregation Database (gnomAD). Based on the majority of available evidence to date, this variant is likely to be pathogenic.

GeneDx
Classification: Uncertain significance. Last evaluated: 2023-05-19. Review status: criteria provided, single submitter. Criteria: GeneDx Variant Classification Process June 2021. Collection method: clinical testing. Allele origin: germline. Affected: yes.
Comment: Not observed at significant frequency in large population cohorts (gnomAD); In silico analysis supports that this missense variant has a deleterious effect on protein structure/function; This variant is associated with the following publications: (PMID: 34681814, 24704860, 23283745, 20031618, 25132132)

Blueprint Genetics
Classification: Likely pathogenic for ACTC1-related disorders. Last evaluated: 2023-04-20. Review status: criteria provided, single submitter. Criteria: ACMG Guidelines, 2015. Collection method: clinical testing. Allele origin: germline. Affected: yes. Observed: 2 variant alleles.

Literature cited by the submitters: PubMed 38002985 (cited by Victorian Clinical Genetics Services, Murdoch Childrens Research Institute); PubMed 24704860 (cited by Victorian Clinical Genetics Services, Murdoch Childrens Research Institute and Ambry Genetics); PubMed 29719515 (cited by Victorian Clinical Genetics Services, Murdoch Childrens Research Institute); PubMed 20031618 (cited by Victorian Clinical Genetics Services, Murdoch Childrens Research Institute and Ambry Genetics); PubMed 34011823 (cited by Victorian Clinical Genetics Services, Murdoch Childrens Research Institute); PubMed 25132132 (cited by Victorian Clinical Genetics Services, Murdoch Childrens Research Institute and Ambry Genetics); PubMed 23283745 (cited by Victorian Clinical Genetics Services, Murdoch Childrens Research Institute and Ambry Genetics); PubMed 25228707 (cited by Victorian Clinical Genetics Services, Murdoch Childrens Research Institute and Ambry Genetics).